The following is an entry in ClinVar:

ClinVar aggregate classification (germline): Benign. Review status: criteria provided, multiple submitters, no conflicts (2 of 4 stars). 3 submissions from 3 submitters: Benign (3). Last evaluated 2026-01-07.

Allele frequency attached by ClinVar (database versions not stated): gnomAD exomes 0.00081 and 0.00191; ExAC 0.00235; ESP Exome Variant Server 0.00701; gnomAD 0.00761 and 0.00803; TOPMed 0.00844; 1000 Genomes Project 0.01038; 1000 Genomes Project 30x 0.01249.
gnomAD v4.1: 2,363 of 1,595,708 alleles (0.15%); highest among the groups gnomAD compares: African/African-American, 2.7%; 37 homozygotes.

Submissions (3):

Labcorp Genetics (formerly Invitae), Labcorp
Classification: Benign. Last evaluated: 2026-01-07. Review status: criteria provided, single submitter. Criteria: Invitae Variant Classification Sherloc (09022015). Collection method: clinical testing. Allele origin: germline.

GeneDx
Classification: Benign. Last evaluated: 2016-11-15. Review status: criteria provided, single submitter. Criteria: GeneDx Variant Classification (06012015). Collection method: clinical testing. Allele origin: germline. Affected: yes.
Comment: This variant is considered likely benign or benign based on one or more of the following criteria: it is a conservative change, it occurs at a poorly conserved position in the protein, it is predicted to be benign by multiple in silico algorithms, and/or has population frequency not consistent with disease.

Breakthrough Genomics
Classification: Benign. Review status: criteria provided, single submitter. Criteria: ACMG Guidelines, 2015. Collection method: not provided. Allele origin: germline. Inheritance: Autosomal recessive inheritance. Affected: yes.

NM_194279.4(ISCA2):c.290+10A>C

Gene: ISCA2 (iron-sulfur cluster assembly 2; plus strand). Cytogenetic location: 14q24.3.
Variant type: single nucleotide variant.
Coding change: c.290+10A>C on transcript NM_194279.4 (MANE Select); 10 bases into the intron after coding-DNA position 290, A replaced by C.
Molecular consequence: intron variant.
Genome position (GRCh38, 1-based): chr14:74,494,400, A>C. VCF-style: chr14-74494400-A-C. GRCh37 (hg19) VCF-style: chr14-74961103-A-C.
Other names: c.174+248A>C (NM_001272007.2).
Identifiers: ClinVar variation 380561 (VCV000380561.13), dbSNP rs79408795, ClinGen allele CA7268325.